The following is an entry in ClinVar:

NM_019892.6(INPP5E):c.1359C>T (p.Pro453=)

Gene: INPP5E (inositol polyphosphate-5-phosphatase E; minus strand). Cytogenetic location: 9q34.3.
Variant type: single nucleotide variant.
Coding change: c.1359C>T on transcript NM_019892.6 (MANE Select); coding-DNA position 1359, C replaced by T.
Protein change: p.Pro453=; no amino-acid change (proline 453 retained).
Molecular consequence: synonymous variant.
Genome position (GRCh38, 1-based): chr9:136,432,507, G>A on the plus strand (C>T on the coding strand, the complement: INPP5E is on the minus strand). VCF-style: chr9-136432507-G-A. GRCh37 (hg19) VCF-style: chr9-139326959-G-A.
Other names: p.P453P:CCC>CCT; p.Pro453=; c.1356C>T, p.Pro452= (NM_001318502.2).
Identifiers: ClinVar variation 129267 (VCV000129267.23), dbSNP rs35774078, ClinGen allele CA153158.

ClinVar aggregate classification (germline): Benign. Review status: criteria provided, multiple submitters, no conflicts (2 of 4 stars). 7 submissions from 7 submitters: Benign (6). 1 of the submissions does not count toward it. Last evaluated 2026-02-04.

Conditions:
Joubert syndrome 1 (JBTS1). Also called: Cerebellooculorenal syndrome 1; CEREBELLOPARENCHYMAL DISORDER IV. Identifiers: MedGen C4551568, MONDO:0008944, OMIM 213300.
Joubert syndrome. Also called: Familial aplasia of the vermis; JOUBERT-BOLTSHAUSER SYNDROME. Identifiers: Orphanet 475, MedGen C5979921, MONDO:0018772.

Allele frequency attached by ClinVar (database versions not stated): ExAC 0.04377; gnomAD 0.05195 and 0.05472; gnomAD exomes 0.03223 and 0.02843; 1000 Genomes Project 0.04433; ESP Exome Variant Server 0.05792; 1000 Genomes Project 30x 0.04653; TOPMed 0.06012.
gnomAD v4.1: 48,554 of 1,550,870 alleles (3.1%); highest among the groups gnomAD compares: African/African-American, 12%; 1,311 homozygotes.

Submissions (7):

Labcorp Genetics (formerly Invitae), Labcorp
Classification: Benign for Joubert syndrome. Last evaluated: 2026-02-04. Review status: criteria provided, single submitter. Criteria: Invitae Variant Classification Sherloc (09022015). Collection method: clinical testing. Allele origin: germline.

Mayo Clinic Laboratories, Mayo Clinic
Classification: Benign. Last evaluated: 2023-03-26. Review status: criteria provided, single submitter. Criteria: ACMG Guidelines, 2015. Collection method: clinical testing. Allele origin: germline. Observed: 5 variant alleles.

Illumina Laboratory Services, Illumina
Classification: Benign for Joubert syndrome 1. Last evaluated: 2018-01-13. Review status: criteria provided, single submitter. Criteria: ICSL Variant Classification Criteria 13 December 2019. Collection method: clinical testing. Allele origin: germline.
Comment: This variant was observed in the ICSL laboratory as part of a predisposition screen in an ostensibly healthy population. It had not been previously curated by ICSL or reported in the Human Gene Mutation Database (HGMD: prior to June 1st, 2018), and was therefore a candidate for classification through an automated scoring system. Utilizing variant allele frequency, disease prevalence and penetrance estimates, and inheritance mode, an automated score was calculated to assess if this variant is too frequent to cause the disease. Based on the score and internal cut-off values, a variant classified as benign is not then subjected to further curation. The score for this variant resulted in a classification of benign for this disease.

GeneDx
Classification: Benign. Last evaluated: 2014-04-01. Review status: criteria provided, single submitter. Criteria: GeneDx Variant Classification (06012015). Collection method: clinical testing. Allele origin: germline. Affected: yes.
Comment: This variant is considered likely benign or benign based on one or more of the following criteria: it is a conservative change, it occurs at a poorly conserved position in the protein, it is predicted to be benign by multiple in silico algorithms, and/or has population frequency not consistent with disease.

Breakthrough Genomics
Classification: Benign. Review status: criteria provided, single submitter. Criteria: ACMG Guidelines, 2015. Collection method: not provided. Allele origin: germline. Inheritance: Autosomal recessive inheritance. Affected: yes.

PreventionGenetics, part of Exact Sciences
Classification: Benign. Review status: criteria provided, single submitter. Criteria: ACMG Guidelines, 2015. Collection method: clinical testing. Allele origin: germline.

Genetic Services Laboratory, University of Chicago
Classification: Likely benign for AllHighlyPenetrant. Review status: no assertion criteria provided. Collection method: clinical testing. Allele origin: germline. Inheritance: Autosomal recessive inheritance. Not counted in ClinVar's aggregate classification.
Comment: Likely benign based on allele frequency in 1000 Genomes Project or ESP global frequency and its presence in a patient with a rare or unrelated disease phenotype. NOT Sanger confirmed.